The following is an entry in ClinVar:

NM_000213.5(ITGB4):c.3928C>T (p.Arg1310Trp)

Genes: GALK1 (galactokinase 1; minus strand), ITGB4 (integrin subunit beta 4; plus strand). Cytogenetic location: 17q25.1.
Variant type: single nucleotide variant.
Coding change: c.3928C>T on transcript NM_000213.5 (MANE Select); coding-DNA position 3928, C replaced by T.
Protein change: p.Arg1310Trp; replaces arginine 1310 with tryptophan.
Molecular consequence: missense variant. On other transcripts: intron variant (1).
Genome position (GRCh38, 1-based): chr17:75,752,308, C>T. VCF-style: chr17-75752308-C-T. GRCh37 (hg19) VCF-style: chr17-73748389-C-T.
Other names: c.3928C>T, p.Arg1310Trp (NM_001005619.2, NM_001005731.3, NM_001321123.2 and 1 more transcripts); c.*23-571G>A (NM_001381985.1); short protein forms R1310W.
Identifiers: ClinVar variation 1899936 (VCV001899936.2), dbSNP rs369683446, ClinGen allele CA8769979.

ClinVar aggregate classification (germline): Uncertain significance (1 of 4 stars; one submission).

Allele frequency attached by ClinVar (database versions not stated): gnomAD 0.00001; TOPMed below 0.00001; ExAC 0.00001; ESP Exome Variant Server 0.00008.

Submission:

Labcorp Genetics (formerly Invitae), Labcorp
Classification: Uncertain significance. Last evaluated: 2022-06-07. Review status: criteria provided, single submitter. Criteria: Invitae Variant Classification Sherloc (09022015). Collection method: clinical testing. Allele origin: germline.
Comment: This sequence change replaces arginine, which is basic and polar, with tryptophan, which is neutral and slightly polar, at codon 1310 of the ITGB4 protein (p.Arg1310Trp). This variant is present in population databases (rs369683446, gnomAD 0.01%). This variant has not been reported in the literature in individuals affected with ITGB4-related conditions. Algorithms developed to predict the effect of missense changes on protein structure and function are either unavailable or do not agree on the potential impact of this missense change (SIFT: "Not Available"; PolyPhen-2: "Probably Damaging"; Align-GVGD: "Not Available"). In summary, the available evidence is currently insufficient to determine the role of this variant in disease. Therefore, it has been classified as a Variant of Uncertain Significance.